The following is an entry in ClinVar:

ClinVar aggregate classification (germline): Uncertain significance (1 of 4 stars; one submission).

gnomAD v4.1: 12 of 1,613,342 alleles (0.00074%); highest among the groups gnomAD compares: East Asian, 0.0067%; no homozygotes.

Submission:

Labcorp Genetics (formerly Invitae), Labcorp
Classification: Uncertain significance. Last evaluated: 2025-08-26. Review status: criteria provided, single submitter. Criteria: Invitae Variant Classification Sherloc (09022015). Collection method: clinical testing. Allele origin: germline.
Comment: This sequence change replaces arginine, which is basic and polar, with glutamine, which is neutral and polar, at codon 1570 of the FOCAD protein (p.Arg1570Gln). This variant is present in population databases (rs750067269, gnomAD 0.005%). This variant has not been reported in the literature in individuals affected with FOCAD-related conditions. An algorithm developed to predict the effect of missense changes on protein structure and function outputs the following: PolyPhen-2: "Not Available". The glutamine amino acid residue is found in multiple mammalian species, which suggests that this missense change does not adversely affect protein function. In summary, the available evidence is currently insufficient to determine the role of this variant in disease. Therefore, it has been classified as a Variant of Uncertain Significance.

NM_001375567.1(FOCAD):c.4709G>A (p.Arg1570Gln)

Gene: FOCAD (focadhesin; plus strand). Cytogenetic location: 9p21.3.
Variant type: single nucleotide variant.
Coding change: c.4709G>A on transcript NM_001375567.1 (MANE Select); coding-DNA position 4709, G replaced by A.
Protein change: p.Arg1570Gln; replaces arginine 1570 with glutamine.
Molecular consequence: missense variant.
Genome position (GRCh38, 1-based): chr9:20,982,427, G>A. VCF-style: chr9-20982427-G-A. GRCh37 (hg19) VCF-style: chr9-20982426-G-A.
Other names: c.4604G>A, p.Arg1535Gln (NM_001375568.1, NM_001375570.1); c.4709G>A, p.Arg1570Gln (NM_017794.5); short protein forms R1570Q, R1535Q.
Identifiers: ClinVar variation 4740041 (VCV004740041.1).